The following is an entry in ClinVar:

ClinVar aggregate classification (germline): Uncertain significance. Review status: criteria provided, multiple submitters, no conflicts (2 of 4 stars). 3 submissions from 3 submitters: Uncertain significance (3). Last evaluated 2025-08-31.

Conditions:
Inborn genetic diseases. Identifiers: MedGen C0950123, MeSH D030342.

Allele frequency attached by ClinVar (database versions not stated): gnomAD 0.00001; TOPMed 0.00001; ExAC 0.00002; gnomAD exomes 0.00002.
gnomAD v4.1: 14 of 1,613,940 alleles (0.00087%); highest among the groups gnomAD compares: South Asian, 0.0011%; no homozygotes.

Submissions (3):

Labcorp Genetics (formerly Invitae), Labcorp
Classification: Uncertain significance. Last evaluated: 2025-08-31. Review status: criteria provided, single submitter. Criteria: Invitae Variant Classification Sherloc (09022015). Collection method: clinical testing. Allele origin: germline.
Comment: This sequence change replaces arginine, which is basic and polar, with cysteine, which is neutral and slightly polar, at codon 288 of the COL9A2 protein (p.Arg288Cys). This variant is present in population databases (rs776949373, gnomAD 0.003%). This variant has not been reported in the literature in individuals affected with COL9A2-related conditions. ClinVar contains an entry for this variant (Variation ID: 1474216). An algorithm developed to predict the effect of missense changes on protein structure and function (PolyPhen-2) suggests that this variant is likely to be disruptive. In summary, the available evidence is currently insufficient to determine the role of this variant in disease. Therefore, it has been classified as a Variant of Uncertain Significance.

Ambry Genetics
Classification: Uncertain significance for Inborn genetic diseases. Last evaluated: 2024-08-20. Review status: criteria provided, single submitter. Criteria: Ambry Variant Classification Scheme 2023. Collection method: clinical testing. Allele origin: germline.

GeneDx
Classification: Uncertain significance. Last evaluated: 2023-12-29. Review status: criteria provided, single submitter. Criteria: GeneDx Variant Classification Process June 2021. Collection method: clinical testing. Allele origin: germline. Affected: yes.
Comment: Not observed at significant frequency in large population cohorts (gnomAD); In silico analysis supports that this missense variant has a deleterious effect on protein structure/function; Has not been previously published as pathogenic or benign to our knowledge

NM_001852.4(COL9A2):c.862C>T (p.Arg288Cys)

Gene: COL9A2 (collagen type IX alpha 2 chain; minus strand). Cytogenetic location: 1p34.2.
Variant type: single nucleotide variant.
Coding change: c.862C>T on transcript NM_001852.4 (MANE Select); coding-DNA position 862, C replaced by T.
Protein change: p.Arg288Cys; replaces arginine 288 with cysteine.
Molecular consequence: missense variant.
Genome position (GRCh38, 1-based): chr1:40,308,230, G>A on the plus strand (C>T on the coding strand, the complement: COL9A2 is on the minus strand). VCF-style: chr1-40308230-G-A. GRCh37 (hg19) VCF-style: chr1-40773902-G-A.
Other names: c.862C>T (NM_001852.3); short protein forms R288C.
Identifiers: ClinVar variation 1474216 (VCV001474216.8), dbSNP rs776949373, ClinGen allele CA791702.